The following is an entry in ClinVar:

ClinVar aggregate classification (germline): Uncertain significance (1 of 4 stars; one submission).

Conditions:
Hereditary cancer-predisposing syndrome. Also called: Tumor predisposition; Hereditary neoplastic syndrome; Hereditary Cancer Syndrome; Neoplastic Syndromes, Hereditary. Identifiers: Orphanet 140162, MedGen C0027672, MeSH D009386, MONDO:0015356.

Submission:

Ambry Genetics
Classification: Uncertain significance for Hereditary cancer-predisposing syndrome. Last evaluated: 2025-04-14. Review status: criteria provided, single submitter. Criteria: Ambry Variant Classification Scheme 2023. Collection method: clinical testing. Allele origin: germline.
Comment: The p.I423T variant (also known as c.1268T>C), located in coding exon 10 of the POT1 gene, results from a T to C substitution at nucleotide position 1268. The isoleucine at codon 423 is replaced by threonine, an amino acid with similar properties. This amino acid position is conserved. In addition, this alteration is predicted to be tolerated by in silico analysis. Based on the available evidence, the clinical significance of this variant remains unclear.

NM_015450.3(POT1):c.1268T>C (p.Ile423Thr)

Gene: POT1 (protection of telomeres 1; minus strand). Cytogenetic location: 7q31.33.
Variant type: single nucleotide variant.
Coding change: c.1268T>C on transcript NM_015450.3 (MANE Select); coding-DNA position 1268, T replaced by C.
Protein change: p.Ile423Thr; replaces isoleucine 423 with threonine.
Molecular consequence: missense variant. On other transcripts: non-coding transcript variant (3).
Genome position (GRCh38, 1-based): chr7:124,841,074, A>G on the plus strand (T>C on the coding strand, the complement: POT1 is on the minus strand). VCF-style: chr7-124841074-A-G. GRCh37 (hg19) VCF-style: chr7-124481128-A-G.
Other names: c.875T>C, p.Ile292Thr (NM_001042594.2); short protein forms I423T, I292T.
Identifiers: ClinVar variation 3936285 (VCV003936285.1).